The following is an entry in ClinVar:

ClinVar aggregate classification (germline): Uncertain significance (1 of 4 stars; one submission).

Submission:

GeneDx
Classification: Uncertain significance. Last evaluated: 2024-08-30. Review status: criteria provided, single submitter. Criteria: GeneDx Variant Classification Process June 2021. Collection method: clinical testing. Allele origin: germline. Affected: yes.
Comment: Not observed at significant frequency in large population cohorts (gnomAD); In silico analysis supports a deleterious effect on splicing; Has not been previously published as pathogenic or benign to our knowledge

NM_001961.4(EEF2):c.219-9_219-6del

Gene: EEF2 (eukaryotic translation elongation factor 2; minus strand). Cytogenetic location: 19p13.3.
Variant type: Microsatellite.
Coding change: c.219-9_219-6del on transcript NM_001961.4 (MANE Select); 9 bases into the intron before coding-DNA position 219 through 6 bases into the intron before coding-DNA position 219, 4 bases deleted (CTCC; older notation c.219-9_219-6delCTCC).
Molecular consequence: intron variant.
Genome position (GRCh38, 1-based): chr19:3,983,297-3,983,300, GGAG deleted on the plus strand (CTCC on the coding strand, the reverse complement: EEF2 is on the minus strand); deleting any 4 consecutive bases within chr19:3,983,297-3,983,307 gives the same sequence; the c. name uses the placement nearest the transcript's 3' end. VCF-style (leftmost placement, unchanged base first): chr19-3983296-TGGAG-T. GRCh37 (hg19) VCF-style: chr19-3983294-TGGAG-T.
Identifiers: ClinVar variation 3765992 (VCV003765992.1).
Genomic context (GRCh38, chr19:3,983,296, plus strand): 5'-TCTGCTTGATGAAGTTCAAGTCATTCTCCGAGAGCTCGTAGAAGAGGGAGATGGCACTGA[TGGAG>T]GGAGGGACTCGTCAGGGGGACAGGAGCCACACACCTGGCCCAGGGAGTCTGGGATGCTGT-3'